The following is an entry in ClinVar:

NM_000264.5(PTCH1):c.731G>A (p.Gly244Glu)

Gene: PTCH1 (patched 1; minus strand). Cytogenetic location: 9q22.32.
Variant type: single nucleotide variant.
Coding change: c.731G>A on transcript NM_000264.5 (MANE Select); coding-DNA position 731, G replaced by A.
Protein change: p.Gly244Glu; replaces glycine 244 with glutamic acid.
Molecular consequence: missense variant. On other transcripts: non-coding transcript variant (1).
Genome position (GRCh38, 1-based): chr9:95,481,964, C>T on the plus strand (G>A on the coding strand, the complement: PTCH1 is on the minus strand). VCF-style: chr9-95481964-C-T. GRCh37 (hg19) VCF-style: chr9-98244246-C-T.
Other names: c.278G>A, p.Gly93Glu (NM_001083607.3, NM_001083604.3, NM_001083605.3 and 1 more transcripts); c.731G>A, p.Gly244Glu (NM_001354918.2); c.533G>A, p.Gly178Glu (NM_001354919.2, NM_001083602.3); c.728G>A, p.Gly243Glu (NM_001083603.3); short protein forms G243E, G178E, G244E, G93E.
Identifiers: ClinVar variation 826966 (VCV000826966.5), dbSNP rs1588614020, ClinGen allele CA374114822.

ClinVar aggregate classification (germline): Uncertain significance (1 of 4 stars; one submission).

Conditions:
Hereditary cancer-predisposing syndrome. Also called: Tumor predisposition; Hereditary neoplastic syndrome; Neoplastic Syndromes, Hereditary; Hereditary Cancer Syndrome. Identifiers: Orphanet 140162, MedGen C0027672, MeSH D009386, MONDO:0015356.

Submission:

Ambry Genetics
Classification: Uncertain significance for Hereditary cancer-predisposing syndrome. Last evaluated: 2026-07-06. Review status: criteria provided, single submitter. Criteria: Ambry Variant Classification Scheme 2023. Collection method: clinical testing. Allele origin: germline.
Comment: The p.G244E variant (also known as c.731G>A), located in coding exon 5 of the PTCH1 gene, results from a G to A substitution at nucleotide position 731. The glycine at codon 244 is replaced by glutamic acid, an amino acid with similar properties. This amino acid position is highly conserved in available vertebrate species. In addition, this alteration is predicted to be deleterious by in silico analysis. Based on the available evidence, the clinical significance of this variant remains unclear.